The following is an entry in ClinVar:

NM_003073.5(SMARCB1):c.93+12C>T

Gene: SMARCB1 (SWI/SNF related BAF chromatin remodeling complex subunit B1; plus strand). Cytogenetic location: 22q11.23.
Variant type: single nucleotide variant.
Coding change: c.93+12C>T on transcript NM_003073.5 (MANE Select); 12 bases into the intron after coding-DNA position 93, C replaced by T.
Molecular consequence: intron variant.
Genome position (GRCh38, 1-based): chr22:23,787,274, C>T. VCF-style: chr22-23787274-C-T. GRCh37 (hg19) VCF-style: chr22-24129461-C-T.
Other names: c.93+12C>T (NM_001362877.2, NM_001317946.2, NM_001007468.3).
Identifiers: ClinVar variation 2191430 (VCV002191430.2), dbSNP rs1162070583, ClinGen allele CA2580099261.

ClinVar aggregate classification (germline): Uncertain significance (1 of 4 stars; one submission).

gnomAD v4.1: 3 of 1,538,324 alleles (0.0002%); highest among the groups gnomAD compares: Non-Finnish European, 0.00027%; no homozygotes.

Submission:

Labcorp Genetics (formerly Invitae), Labcorp
Classification: Uncertain significance. Last evaluated: 2022-05-26. Review status: criteria provided, single submitter. Criteria: Invitae Variant Classification Sherloc (09022015). Collection method: clinical testing. Allele origin: germline.
Comment: This variant is not present in population databases (gnomAD no frequency). This variant has not been reported in the literature in individuals affected with SMARCB1-related conditions. Algorithms developed to predict the effect of sequence changes on RNA splicing suggest that this variant may create or strengthen a splice site. In summary, the available evidence is currently insufficient to determine the role of this variant in disease. Therefore, it has been classified as a Variant of Uncertain Significance. This sequence change falls in intron 1 of the SMARCB1 gene. It does not directly change the encoded amino acid sequence of the SMARCB1 protein.